The following is an entry in ClinVar:

ClinVar aggregate classification (germline): Uncertain significance (1 of 4 stars; one submission).

Conditions:
Werner syndrome (WRN). Identifiers: Orphanet 902, MedGen C0043119, MONDO:0010196, OMIM 277700.

Submission:

Labcorp Genetics (formerly Invitae), Labcorp
Classification: Uncertain significance for Werner syndrome. Last evaluated: 2021-05-27. Review status: criteria provided, single submitter. Criteria: Invitae Variant Classification Sherloc (09022015). Collection method: clinical testing. Allele origin: germline.
Comment: In summary, the available evidence is currently insufficient to determine the role of this variant in disease. Therefore, it has been classified as a Variant of Uncertain Significance. Algorithms developed to predict the effect of missense changes on protein structure and function are either unavailable or do not agree on the potential impact of this missense change (SIFT: "Not Available"; PolyPhen-2: "Probably Damaging"; Align-GVGD: "Not Available"). This variant has not been reported in the literature in individuals with WRN-related conditions. This variant is not present in population databases (ExAC no frequency). This sequence change replaces phenylalanine with leucine at codon 49 of the WRN protein (p.Phe49Leu). The phenylalanine residue is moderately conserved and there is a small physicochemical difference between phenylalanine and leucine.

NM_000553.6(WRN):c.145T>C (p.Phe49Leu)

Gene: WRN (WRN RecQ like helicase; plus strand). Cytogenetic location: 8p12.
Variant type: single nucleotide variant.
Coding change: c.145T>C on transcript NM_000553.6 (MANE Select); coding-DNA position 145, T replaced by C.
Protein change: p.Phe49Leu; replaces phenylalanine 49 with leucine.
Molecular consequence: missense variant.
Genome position (GRCh38, 1-based): chr8:31,059,201, T>C. VCF-style: chr8-31059201-T-C. GRCh37 (hg19) VCF-style: chr8-30916717-T-C.
Other names: short protein forms F49L.
Identifiers: ClinVar variation 1493946 (VCV001493946.8), dbSNP rs587778749, ClinGen allele CA370912497.